The following is an entry in ClinVar:

NM_001323289.2(CDKL5):c.2276+1G>T

Gene: CDKL5 (cyclin dependent kinase like 5; plus strand). Cytogenetic location: Xp22.13.
Variant type: single nucleotide variant.
Coding change: c.2276+1G>T on transcript NM_001323289.2 (MANE Select); the canonical splice donor site of the intron after coding-DNA position 2276, G replaced by T.
Molecular consequence: splice donor variant.
Genome position (GRCh38, 1-based): chrX:18,613,276, G>T. VCF-style: chrX-18613276-G-T. GRCh37 (hg19) VCF-style: chrX-18631396-G-T.
Other names: c.2276+1G>T (NM_003159.3, NM_001037343.2).
Identifiers: ClinVar variation 2943160 (VCV002943160.4), dbSNP rs1602292181, ClinGen allele CA412368754.

ClinVar aggregate classification (germline): Pathogenic (1 of 4 stars; one submission).

Conditions:
Developmental and epileptic encephalopathy, 2 (DEE2). Also called: INFANTILE SPASM SYNDROME, X-LINKED 2; CDKL5 deficiency disorder. Identifiers: Orphanet 1934, Orphanet 3451, Orphanet 505652, MedGen C4750718, MONDO:0010396, OMIM 300672.
Angelman syndrome-like. Identifiers: MedGen CN128785.

Submissions (3):

Labcorp Genetics (formerly Invitae), Labcorp
Classification: Pathogenic for Developmental and epileptic encephalopathy, 2; Angelman syndrome-like. Last evaluated: 2023-01-21. Review status: criteria provided, single submitter. Criteria: Invitae Variant Classification Sherloc (09022015). Collection method: clinical testing. Allele origin: germline.
Comment: For these reasons, this variant has been classified as Pathogenic. Algorithms developed to predict the effect of sequence changes on RNA splicing suggest that this variant may disrupt the consensus splice site. Disruption of this splice site has been observed in individual(s) with clinical features of CDKL5-related conditions (PMID: 22872100, 34229227). In at least one individual the variant was observed to be de novo. This variant is not present in population databases (gnomAD no frequency). This sequence change affects a donor splice site in intron 15 of the CDKL5 gene. It is expected to disrupt RNA splicing. Variants that disrupt the donor or acceptor splice site typically lead to a loss of protein function (PMID: 16199547), and loss-of-function variants in CDKL5 are known to be pathogenic (PMID: 22872100).

Dr. Peter K. Rogan Lab, Western University
No classification provided (evidence only). Condition: Thyroid cancer, nonmedullary, 1. Review status: no classification provided. Collection method: in vitro. Allele origin: not applicable. Functional consequence: retained intron. Not counted in ClinVar's aggregate classification.

Dr. Peter K. Rogan Lab, Western University
No classification provided (evidence only). Condition: Nonpapillary renal cell carcinoma. Review status: no classification provided. Collection method: in vitro. Allele origin: not applicable. Functional consequence: retained intron. Not counted in ClinVar's aggregate classification.

Literature cited by the submitters: PubMed 22872100 (cited by Labcorp Genetics (formerly Invitae), Labcorp); PubMed 34229227 (cited by Labcorp Genetics (formerly Invitae), Labcorp); PubMed 16199547 (cited by Labcorp Genetics (formerly Invitae), Labcorp).